The following is an entry in ClinVar:

ClinVar aggregate classification (germline): Likely benign (0 of 4 stars; one submission).

Conditions:
MACF1-related disorder. Also called: MACF1-related condition.

Allele frequency attached by ClinVar (database versions not stated): gnomAD exomes 0.00002; TOPMed 0.00002; ExAC 0.00005; gnomAD 0.00007; 1000 Genomes Project 30x 0.00062; 1000 Genomes Project 0.00080.
gnomAD v4.1: 38 of 1,614,024 alleles (0.0024%); highest among the groups gnomAD compares: East Asian, 0.08%; no homozygotes.

Submission:

PreventionGenetics, part of Exact Sciences
Classification: Likely benign for MACF1-related condition. Last evaluated: 2023-07-20. Review status: no assertion criteria provided. Collection method: clinical testing. Allele origin: germline.
Comment: This variant is classified as likely benign based on ACMG/AMP sequence variant interpretation guidelines (Richards et al. 2015 PMID: 25741868, with internal and published modifications).

NM_001394062.1(MACF1):c.11071T>C (p.Leu3691=)

Gene: MACF1 (microtubule actin crosslinking factor 1; plus strand). Cytogenetic location: 1p34.3.
Variant type: single nucleotide variant.
Coding change: c.11071T>C on transcript NM_001394062.1 (MANE Select); coding-DNA position 11071, T replaced by C.
Protein change: p.Leu3691=; no amino-acid change (leucine 3691 retained).
Molecular consequence: synonymous variant.
Genome position (GRCh38, 1-based): chr1:39,350,890, T>C. VCF-style: chr1-39350890-T-C. GRCh37 (hg19) VCF-style: chr1-39816562-T-C.
Other names: c.4885T>C, p.Leu1629= (NM_012090.5).
Identifiers: ClinVar variation 3032350 (VCV003032350.2), dbSNP rs138510790, ClinGen allele CA781504.